The following is an entry in ClinVar:

ClinVar aggregate classification (germline): Likely pathogenic (1 of 4 stars; one submission).

Conditions:
Hereditary spastic paraplegia 3A (SPG3A). Also called: SPASTIC PARAPLEGIA 3, AUTOSOMAL DOMINANT; FAMILIAL SPASTIC PARAPLEGIA, AUTOSOMAL DOMINANT, 1; SPG3; STRUMPELL DISEASE; Spastic Paraplegia 3A; Spastic paraplegia 3A, autosomal dominant. Identifiers: Orphanet 100984, MedGen C2931355, MONDO:0008437, OMIM 182600.

Submission:

Genomic Research Center, Shahid Beheshti University of Medical Sciences
Classification: Likely pathogenic for Hereditary spastic paraplegia 3A. Review status: criteria provided, single submitter. Criteria: ACMG Guidelines, 2015. Collection method: clinical testing. Allele origin: de novo. Affected: yes. Observed: 1 heterozygote.
Comment: This missense variant is absent in population databases, consistent with the rarity expected for a pathogenic allele. The gene is intolerant to benign missense variation, and missense changes are a known disease mechanism. Multiple computational prediction tools support a deleterious effect on protein function.

Literature cited by the submitters: PubMed 34782662.

NM_015915.5(ATL1):c.829G>C (p.Ala277Pro)

Gene: ATL1 (atlastin GTPase 1; plus strand). Cytogenetic location: 14q22.1.
Variant type: single nucleotide variant.
Coding change: c.829G>C on transcript NM_015915.5 (MANE Select); coding-DNA position 829, G replaced by C.
Protein change: p.Ala277Pro; replaces alanine 277 with proline.
Molecular consequence: missense variant.
Genome position (GRCh38, 1-based): chr14:50,614,478, G>C. VCF-style: chr14-50614478-G-C. GRCh37 (hg19) VCF-style: chr14-51081196-G-C.
Other names: c.829G>C, p.Ala277Pro (NM_001127713.1, NM_181598.4); short protein forms A277P.
Identifiers: ClinVar variation 4537484 (VCV004537484.1).